The following is an entry in ClinVar:

ClinVar aggregate classification (germline): Conflicting classifications of pathogenicity. Review status: criteria provided, conflicting classifications (1 of 4 stars). 2 submissions from 2 submitters: Pathogenic (1); Uncertain significance (1). Last evaluated 2022-09-12.

Conditions:
Peroxisome biogenesis disorder, complementation group 7 (CG7). Also called: Peroxisome biogenesis disorder, complementation group B. Identifiers: MedGen C1864399.
Peroxisome biogenesis disorder 6A (Zellweger). Also called: Peroxisome biogenesis disorder 6A. Identifiers: Orphanet 912, MedGen C3553947, MONDO:0013936, OMIM 614870.

Submissions (2):

Labcorp Genetics (formerly Invitae), Labcorp
Classification: Uncertain significance for Peroxisome biogenesis disorder, complementation group 7. Last evaluated: 2022-09-12. Review status: criteria provided, single submitter. Criteria: Invitae Variant Classification Sherloc (09022015). Collection method: clinical testing. Allele origin: germline.
Comment: This sequence change replaces aspartic acid, which is acidic and polar, with histidine, which is basic and polar, at codon 18 of the PEX10 protein (p.Asp18His). In summary, the available evidence is currently insufficient to determine the role of this variant in disease. Therefore, it has been classified as a Variant of Uncertain Significance. Algorithms developed to predict the effect of missense changes on protein structure and function (SIFT, PolyPhen-2, Align-GVGD) all suggest that this variant is likely to be disruptive. ClinVar contains an entry for this variant (Variation ID: 1686019). This variant has not been reported in the literature in individuals affected with PEX10-related conditions. This variant is not present in population databases (gnomAD no frequency).

Mendelics
Classification: Pathogenic for Peroxisome biogenesis disorder 6A (Zellweger). Last evaluated: 2022-05-04. Review status: criteria provided, single submitter. Criteria: Mendelics Assertion Criteria 2019. Collection method: clinical testing. Allele origin: germline.

NM_002617.4(PEX10):c.52G>C (p.Asp18His)

Gene: PEX10 (peroxisomal biogenesis factor 10; minus strand). Cytogenetic location: 1p36.32.
Variant type: single nucleotide variant.
Coding change: c.52G>C on transcript NM_002617.4 (MANE Select); coding-DNA position 52, G replaced by C.
Protein change: p.Asp18His; replaces aspartic acid 18 with histidine.
Molecular consequence: missense variant. On other transcripts: intron variant (2).
Genome position (GRCh38, 1-based): chr1:2,412,451, C>G on the plus strand (G>C on the coding strand, the complement: PEX10 is on the minus strand). VCF-style: chr1-2412451-C-G. GRCh37 (hg19) VCF-style: chr1-2343890-C-G.
Other names: c.52G>C, p.Asp18His (NM_001374425.1, NM_153818.2); c.-321+1146G>C (NM_001374427.1, NM_001374426.1); short protein forms D18H.
Identifiers: ClinVar variation 1686019 (VCV001686019.7), dbSNP rs61750432, ClinGen allele CA337990582.